The following is an entry in ClinVar:

ClinVar aggregate classification (germline): Benign. Review status: criteria provided, multiple submitters, no conflicts (2 of 4 stars). 3 submissions from 3 submitters: Benign (3). Last evaluated 2026-01-26.

Allele frequency attached by ClinVar (database versions not stated): 1000 Genomes Project 30x 0.27514; 1000 Genomes Project 0.27616; gnomAD exomes 0.28172 and 0.32117; ExAC 0.28408; TOPMed 0.31959; gnomAD 0.32071 and 0.32848; ESP Exome Variant Server 0.34034.
gnomAD v4.1: 494,867 of 1,541,682 alleles (32%); highest among the groups gnomAD compares: African/African-American, 35%; 82,038 homozygotes.

Submissions (3):

Labcorp Genetics (formerly Invitae), Labcorp
Classification: Benign. Last evaluated: 2026-01-26. Review status: criteria provided, single submitter. Criteria: Invitae Variant Classification Sherloc (09022015). Collection method: clinical testing. Allele origin: germline.

GeneDx
Classification: Benign. Last evaluated: 2018-07-06. Review status: criteria provided, single submitter. Criteria: GeneDx Variant Classification Process June 2021. Collection method: clinical testing. Allele origin: germline. Affected: yes.
Comment: This variant is associated with the following publications: (PMID: 16103266, 16788695, 12522688, 21052022, 19635985, 19364400)

Breakthrough Genomics
Classification: Benign. Review status: criteria provided, single submitter. Criteria: ACMG Guidelines, 2015. Collection method: not provided. Allele origin: germline. Inheritance: Autosomal dominant inheritance. Affected: yes.

NM_001144967.3(NEDD4L):c.49-16229G>A

Gene: NEDD4L (NEDD4 like E3 ubiquitin protein ligase; plus strand). Cytogenetic location: 18q21.31.
Variant type: single nucleotide variant.
Coding change: c.49-16229G>A on transcript NM_001144967.3 (MANE Select); 16229 bases into the intron before coding-DNA position 49, G replaced by A.
Molecular consequence: intron variant. On other transcripts: 5 prime UTR variant (2), synonymous variant (2).
Genome position (GRCh38, 1-based): chr18:58,149,559, G>A. VCF-style: chr18-58149559-G-A. GRCh37 (hg19) VCF-style: chr18-55816791-G-A.
Other names: c.-326G>A (NM_001144965.2); c.24G>A, p.Gln8= (NM_001144968.2, NM_001144969.2); c.-404G>A (NM_001144971.2); c.49-16229G>A (NM_015277.6, NM_001243960.2); c.-315-16229G>A (NM_001144964.1).
Identifiers: ClinVar variation 225996 (VCV000225996.13), dbSNP rs4149601, ClinGen allele CA8975090.
Genomic context (GRCh38, chr18:58,149,559, plus strand): 5'-TTTAATGCACTAAACCTTTAATATTGTATTCTCCTAAATGAGACGTCTCGCATTTGAGCA[G>A]GTAACACTCGGTAAGACTTTGCTTGGTGGGGGAGGAGGTTTTACCTTCCTGTGGCATTCT-3'